The following is an entry in ClinVar:

NM_000059.4(BRCA2):c.3824_3825del (p.Ile1275fs)

Gene: BRCA2 (BRCA2 DNA repair associated; plus strand). Cytogenetic location: 13q13.1.
Variant type: Deletion.
Coding change: c.3824_3825del on transcript NM_000059.4 (MANE Select); coding-DNA positions 3824 to 3825, 2 bases deleted (TA; older notation c.3824_3825delTA).
Protein change: p.Ile1275fs; shifts the reading frame from isoleucine 1275.
Molecular consequence: frameshift variant.
Genome position (GRCh38, 1-based): chr13:32,338,179-32,338,180, TA deleted; deleting any 2 consecutive bases within chr13:32,338,178-32,338,180 gives the same sequence; the c. name uses the placement nearest the transcript's 3' end. VCF-style (leftmost placement, unchanged base first): chr13-32338177-GAT-G. GRCh37 (hg19) VCF-style: chr13-32912314-GAT-G.
Other names: c.3824_3825delTA (NM_000059.3); short protein forms I1275fs.
Identifiers: ClinVar variation 462311 (VCV000462311.13), dbSNP rs1555283411, ClinGen allele CA658656323.
Genomic context (GRCh38, chr13:32,338,177, plus strand): 5'-GGTACATCCAATAAGTTTATCTTCAAGTAAATGTCATGATTCTGTTGTTTCAATGTTTAA[GAT>G]AGAAAATCATAATGATAAAACTGTAAGTGAAAAAAATAATAAATGCCAACTGATATTACA-3'

ClinVar aggregate classification (germline): Pathogenic. Review status: criteria provided, multiple submitters, no conflicts (2 of 4 stars). 3 submissions from 3 submitters: Pathogenic (3). Last evaluated 2026-03-11.

Conditions:
Hereditary breast ovarian cancer syndrome. Also called: Breast and ovarian cancer; BRCA1- and BRCA2-Associated Hereditary Breast and Ovarian Cancer; Hereditary breast and ovarian cancer; Hereditary breast and/or ovarian cancer syndrome; Hereditary breast and ovarian cancer syndrome; Hereditary breast and ovarian cancer syndrome (HBOC). Identifiers: Orphanet 145, MedGen C0677776, MeSH D061325, MONDO:0003582. Disease mechanism: loss of function.
Hereditary cancer-predisposing syndrome. Also called: Neoplastic Syndromes, Hereditary; Tumor predisposition; Hereditary neoplastic syndrome; Hereditary Cancer Syndrome. Identifiers: Orphanet 140162, MedGen C0027672, MeSH D009386, MONDO:0015356.

Submissions (3):

Ambry Genetics
Classification: Pathogenic for Hereditary cancer-predisposing syndrome. Last evaluated: 2026-03-11. Review status: criteria provided, single submitter. Criteria: Ambry Variant Classification Scheme 2023. Collection method: clinical testing. Allele origin: germline.
Comment: The c.3824_3825delTA (p.I1275Rfs*4) alteration, located in exon 11 (coding exon 10) of the BRCA2 gene, consists of a deletion of 2 nucleotides from position 3824 to 3825, causing a translational frameshift with a predicted alternate stop codon after 4 amino acids. This variant is expected to result in loss of function by premature protein truncation or nonsense-mediated mRNA decay. This variant was not reported in population-based cohorts in the Genome Aggregation Database (gnomAD). Based on the available evidence, this alteration is classified as pathogenic.

Color Diagnostics, LLC DBA Color Health
Classification: Pathogenic for Hereditary cancer-predisposing syndrome. Last evaluated: 2021-01-18. Review status: criteria provided, single submitter. Criteria: ACMG Guidelines, 2015. Collection method: clinical testing. Allele origin: germline.
Comment: This variant deletes 2 nucleotides in exon 11 of the BRCA2 gene, creating a frameshift and premature translation stop signal. This variant is expected to result in an absent or non-functional protein product. To our knowledge, this variant has not been reported in individuals affected with hereditary cancer in the literature. This variant has not been identified in the general population by the Genome Aggregation Database (gnomAD). Loss of BRCA2 function is a known mechanism of disease. Based on the available evidence, this variant is classified as Pathogenic.

Labcorp Genetics (formerly Invitae), Labcorp
Classification: Pathogenic for Hereditary breast ovarian cancer syndrome. Last evaluated: 2017-03-05. Review status: criteria provided, single submitter. Criteria: Invitae Variant Classification Sherloc (09022015). Collection method: clinical testing. Allele origin: germline.
Comment: For these reasons, this variant has been classified as Pathogenic. While this particular variant has not been reported in the literature, loss-of-function variants in BRCA2 are known to be pathogenic (PMID: 20104584). This sequence change deletes 2 nucleotide from exon 11 of the BRCA2 mRNA (c.3824_3825delTA), causing a frameshift at codon 1275. This creates a premature translational stop signal (p.Ile1275Argfs*4) and is expected to result in an absent or disrupted protein product.

Literature cited by the submitters: PubMed 20104584 (cited by Labcorp Genetics (formerly Invitae), Labcorp).